The following is an entry in ClinVar:

ClinVar aggregate classification (germline): Pathogenic (1 of 4 stars; one submission).

Submission:

GeneDx
Classification: Pathogenic. Last evaluated: 2018-04-12. Review status: criteria provided, single submitter. Criteria: GeneDx Variant Classification (06012015). Collection method: clinical testing. Allele origin: germline. Affected: yes.
Comment: The c.1202_1209delTGCAGCTC variant causes a frameshift starting with codon Leucine 401, changes this amino acid to a Proline residue, and creates a premature Stop codon at position 6 of the new reading frame, denoted p.L401PfsX6. This variant is predicted to cause loss of normal protein function either through protein truncation or nonsense-mediated mRNA decay. The c.1202_1209delTGCAGCTC variant is not observed in large population cohorts (Lek et al., 2016).

NM_001005242.3(PKP2):c.1202_1209del (p.Leu401fs)

Gene: PKP2 (plakophilin 2; minus strand). Cytogenetic location: 12p11.21.
Variant type: Deletion.
Coding change: c.1202_1209del on transcript NM_001005242.3 (MANE Select); coding-DNA positions 1202 to 1209, 8 bases deleted (TGCAGCTC; older notation c.1202_1209delTGCAGCTC).
Protein change: p.Leu401fs; shifts the reading frame from leucine 401.
Molecular consequence: frameshift variant.
Genome position (GRCh38, 1-based): chr12:32,850,935-32,850,942, GAGCTGCA deleted on the plus strand (TGCAGCTC on the coding strand, the reverse complement: PKP2 is on the minus strand); deleting any 8 consecutive bases within chr12:32,850,935-32,850,944 gives the same sequence; the c. name uses the placement nearest the transcript's 3' end. VCF-style (leftmost placement, unchanged base first): chr12-32850934-GGAGCTGCA-G. GRCh37 (hg19) VCF-style: chr12-33003868-GGAGCTGCA-G.
Other names: c.1202_1209delTGCAGCTC (NM_004572.3); c.1202_1209del, p.Leu401fs (NM_004572.4); short protein forms L401fs.
Identifiers: ClinVar variation 449315 (VCV000449315.2), dbSNP rs1555145521, ClinGen allele CA658658130.